The following is an entry in ClinVar:

ClinVar aggregate classification (germline): Uncertain significance (1 of 4 stars; one submission).

Submission:

GeneDx
Classification: Uncertain significance. Last evaluated: 2023-12-13. Review status: criteria provided, single submitter. Criteria: GeneDx Variant Classification Process June 2021. Collection method: clinical testing. Allele origin: germline. Affected: yes.
Comment: Not observed at significant frequency in large population cohorts (gnomAD); In silico analysis supports that this missense variant does not alter protein structure/function; Has not been previously published as pathogenic or benign to our knowledge

NM_002816.5(PSMD12):c.1003A>C (p.Ser335Arg)

Gene: PSMD12 (proteasome 26S subunit, non-ATPase 12; minus strand). Cytogenetic location: 17q24.2.
Variant type: single nucleotide variant.
Coding change: c.1003A>C on transcript NM_002816.5 (MANE Select); coding-DNA position 1003, A replaced by C.
Protein change: p.Ser335Arg; replaces serine 335 with arginine.
Molecular consequence: missense variant.
Genome position (GRCh38, 1-based): chr17:67,344,686, T>G on the plus strand (A>C on the coding strand, the complement: PSMD12 is on the minus strand). VCF-style: chr17-67344686-T-G. GRCh37 (hg19) VCF-style: chr17-65340802-T-G.
Other names: c.826A>C, p.Ser276Arg (NM_001316341.2); c.943A>C, p.Ser315Arg (NM_174871.4); short protein forms S276R, S315R, S335R.
Identifiers: ClinVar variation 3365622 (VCV003365622.1).